The following is an entry in ClinVar:

NM_152564.5(VPS13B):c.1336C>T (p.Gln446Ter)

Gene: VPS13B (vacuolar protein sorting 13 homolog B; plus strand). Cytogenetic location: 8q22.2.
Variant type: single nucleotide variant.
Coding change: c.1336C>T on transcript NM_152564.5 (MANE Select); coding-DNA position 1336, C replaced by T.
Protein change: p.Gln446Ter; replaces glutamine 446 with a stop codon.
Molecular consequence: nonsense.
Genome position (GRCh38, 1-based): chr8:99,135,048, C>T. VCF-style: chr8-99135048-C-T. GRCh37 (hg19) VCF-style: chr8-100147276-C-T.
Other names: c.1336C>T, p.Gln446Ter (NM_015243.3, NM_017890.5); short protein forms Q446*.
Identifiers: ClinVar variation 504075 (VCV000504075.2), dbSNP rs1554634138, ClinGen allele CA371862790.

ClinVar aggregate classification (germline): Pathogenic (1 of 4 stars; one submission).

Submission:

GeneDx
Classification: Pathogenic. Last evaluated: 2018-11-30. Review status: criteria provided, single submitter. Criteria: GeneDx Variant Classification (06012015). Collection method: clinical testing. Allele origin: germline. Affected: yes.
Comment: The Q446X variant in the VPS13B gene has not been reported previously as a pathogenic variant nor as a benign variant, to our knowledge. This variant is predicted to cause loss of normal protein function either through protein truncation or nonsense-mediated mRNA decay. The Q446X variant is not observed in large population cohorts (Lek et al., 2016). We interpret Q446X as a pathogenic variant.